The following is an entry in ClinVar:

ClinVar aggregate classification (germline): Uncertain significance (1 of 4 stars; one submission).

Conditions:
Myasthenic syndrome, congenital, 22 (CMS22). Also called: PREPL DEFICIENCY. Identifiers: MedGen C4479088, MONDO:0044299, OMIM 616224.

Allele frequency attached by ClinVar (database versions not stated): TOPMed 0.00001; ExAC 0.00002; gnomAD exomes 0.00002.
gnomAD v4.1: 5 of 1,614,020 alleles (0.00031%); highest among the groups gnomAD compares: Admixed American, 0.0067%; no homozygotes.

Submission:

Labcorp Genetics (formerly Invitae), Labcorp
Classification: Uncertain significance for Myasthenic syndrome, congenital, 22. Last evaluated: 2025-08-18. Review status: criteria provided, single submitter. Criteria: Invitae Variant Classification Sherloc (09022015). Collection method: clinical testing. Allele origin: germline.
Comment: This sequence change replaces serine, which is neutral and polar, with glycine, which is neutral and non-polar, at codon 262 of the PREPL protein (p.Ser262Gly). This variant is present in population databases (rs758838556, gnomAD 0.01%). This variant has not been reported in the literature in individuals affected with PREPL-related conditions. ClinVar contains an entry for this variant (Variation ID: 952039). Invitae Evidence Modeling of protein sequence and biophysical properties (such as structural, functional, and spatial information, amino acid conservation, physicochemical variation, residue mobility, and thermodynamic stability) indicates that this missense variant is not expected to disrupt PREPL protein function with a negative predictive value of 80%. In summary, the available evidence is currently insufficient to determine the role of this variant in disease. Therefore, it has been classified as a Variant of Uncertain Significance.

NM_001171613.2(PREPL):c.517A>G (p.Ser173Gly)

Gene: PREPL (prolyl endopeptidase like; minus strand). Cytogenetic location: 2p21.
Variant type: single nucleotide variant.
Coding change: c.517A>G on transcript NM_001171613.2 (MANE Select); coding-DNA position 517, A replaced by G.
Protein change: p.Ser173Gly; replaces serine 173 with glycine.
Molecular consequence: missense variant.
Genome position (GRCh38, 1-based): chr2:44,339,332, T>C on the plus strand (A>G on the coding strand, the complement: PREPL is on the minus strand). VCF-style: chr2-44339332-T-C. GRCh37 (hg19) VCF-style: chr2-44566471-T-C.
Other names: c.784A>G, p.Ser262Gly (NM_001042385.2, NM_001042386.2, NM_001171603.1 and 4 more transcripts); c.517A>G, p.Ser173Gly (NM_001171617.1, NM_001374277.1); short protein forms S173G, S262G.
Identifiers: ClinVar variation 952039 (VCV000952039.6), dbSNP rs758838556, ClinGen allele CA1641432.
Genomic context (GRCh38, chr2:44,339,332, plus strand): 5'-CATCTATCAACCACACTTCAGAAGTAGTCTTGTTCATAATATTTATGGTGAGGAAACGAC[T>C]GTCTTTTGTAAGATAAAGGAAAACAAAGTAGCTAGAGAGAGAGAGAGAGACATGAGATCA-3'
Protein context (NP_001165084.1, residues 163-183): YFVFLYLTKD[Ser173Gly]RFLTINIMNK